The following is an entry in ClinVar:

NM_022124.6(CDH23):c.1504G>A (p.Asp502Asn)

Gene: CDH23 (cadherin related 23; plus strand). Cytogenetic location: 10q22.1.
Variant type: single nucleotide variant.
Coding change: c.1504G>A on transcript NM_022124.6 (MANE Select); coding-DNA position 1504, G replaced by A.
Protein change: p.Asp502Asn; replaces aspartic acid 502 with asparagine.
Molecular consequence: missense variant.
Genome position (GRCh38, 1-based): chr10:71,675,166, G>A. VCF-style: chr10-71675166-G-A. GRCh37 (hg19) VCF-style: chr10-73434923-G-A.
Other names: c.1504G>A (NM_022124.5); c.1504G>A, p.Asp502Asn (NM_001171931.2, NM_001171930.2); short protein forms D502N.
Identifiers: ClinVar variation 502497 (VCV000502497.12), dbSNP rs200459094, ClinGen allele CA5543856.

ClinVar aggregate classification (germline): Uncertain significance. Review status: criteria provided, multiple submitters, no conflicts (2 of 4 stars). 6 submissions from 6 submitters: Uncertain significance (5). 1 of the submissions does not count toward it. Last evaluated 2025-08-11.

Conditions:
Inborn genetic diseases. Identifiers: MedGen C0950123, MeSH D030342.
Usher syndrome type 1 (USH1). Also called: RETINITIS PIGMENTOSA AND CONGENITAL DEAFNESS. Identifiers: Orphanet 231169, Orphanet 886, MedGen C1568247, MONDO:0010168, OMIM 276900.

Allele frequency attached by ClinVar (database versions not stated): gnomAD 0.00004; gnomAD exomes 0.00004; TOPMed 0.00005; ExAC 0.00006; ESP Exome Variant Server 0.00016.
gnomAD v4.1: 64 of 1,613,722 alleles (0.004%); highest among the groups gnomAD compares: Middle Eastern, 0.049%; no homozygotes.

Submissions (6):

Ambry Genetics
Classification: Uncertain significance for Inborn genetic diseases. Last evaluated: 2025-08-11. Review status: criteria provided, single submitter. Criteria: Ambry Variant Classification Scheme 2023. Collection method: clinical testing. Allele origin: germline.

Labcorp Genetics (formerly Invitae), Labcorp
Classification: Uncertain significance. Last evaluated: 2025-01-15. Review status: criteria provided, single submitter. Criteria: Invitae Variant Classification Sherloc (09022015). Collection method: clinical testing. Allele origin: germline.
Comment: This sequence change replaces aspartic acid, which is acidic and polar, with asparagine, which is neutral and polar, at codon 502 of the CDH23 protein (p.Asp502Asn). This variant is present in population databases (rs200459094, gnomAD 0.009%). This variant has not been reported in the literature in individuals affected with CDH23-related conditions. ClinVar contains an entry for this variant (Variation ID: 502497). An algorithm developed to predict the effect of missense changes on protein structure and function outputs the following: PolyPhen-2: "Not Available". The asparagine amino acid residue is found in multiple mammalian species, which suggests that this missense change does not adversely affect protein function. In summary, the available evidence is currently insufficient to determine the role of this variant in disease. Therefore, it has been classified as a Variant of Uncertain Significance.

Blueprint Genetics
Classification: Uncertain significance. Last evaluated: 2023-12-13. Review status: criteria provided, single submitter. Criteria: ACMG Guidelines, 2015. Collection method: clinical testing. Allele origin: germline.

GeneDx
Classification: Uncertain significance. Last evaluated: 2023-06-26. Review status: criteria provided, single submitter. Criteria: GeneDx Variant Classification Process June 2021. Collection method: clinical testing. Allele origin: germline. Affected: yes.
Comment: In silico analysis supports that this missense variant does not alter protein structure/function; Has not been previously published as pathogenic or benign to our knowledge

Eurofins Ntd Llc (ga)
Classification: Uncertain significance. Last evaluated: 2017-06-09. Review status: criteria provided, single submitter. Criteria: EGL Classification Definitions 2015. Collection method: clinical testing. Allele origin: germline. Observed: 1 variant allele, 1 heterozygote.

Natera, Inc.
Classification: Uncertain significance for Usher syndrome type 1. Last evaluated: 2020-04-11. Review status: no assertion criteria provided. Collection method: clinical testing. Allele origin: germline. Not counted in ClinVar's aggregate classification.